The following is an entry in ClinVar:

NM_001127222.2(CACNA1A):c.3367C>T (p.Arg1123Trp)

Gene: CACNA1A (calcium voltage-gated channel subunit alpha1 A; minus strand). Cytogenetic location: 19p13.13.
Variant type: single nucleotide variant.
Coding change: c.3367C>T on transcript NM_001127222.2 (MANE Select); coding-DNA position 3367, C replaced by T.
Protein change: p.Arg1123Trp; replaces arginine 1123 with tryptophan.
Molecular consequence: missense variant.
Genome position (GRCh38, 1-based): chr19:13,286,689, G>A on the plus strand (C>T on the coding strand, the complement: CACNA1A is on the minus strand). VCF-style: chr19-13286689-G-A. GRCh37 (hg19) VCF-style: chr19-13397503-G-A.
Other names: c.3379C>T, p.Arg1127Trp (NM_000068.4, NM_023035.3); c.3370C>T, p.Arg1124Trp (NM_001127221.2, NM_001174080.2); short protein forms R1124W, R1123W, R1127W.
Identifiers: ClinVar variation 842541 (VCV000842541.12), dbSNP rs775079497, ClinGen allele CA9240349.

ClinVar aggregate classification (germline): Conflicting classifications of pathogenicity. Review status: criteria provided, conflicting classifications (1 of 4 stars). 3 submissions from 3 submitters: Uncertain significance (2); Likely benign (1). Last evaluated 2025-09-27.

Conditions:
Episodic ataxia type 2 (EA2). Also called: ACETAZOLAMIDE-RESPONSIVE HEREDITARY PAROXYSMAL CEREBELLAR ATAXIA; ATAXIA, EPISODIC, WITH NYSTAGMUS; ATAXIA, FAMILIAL PAROXYSMAL; CEREBELLAR ATAXIA, PAROXYSMAL, ACETAZOLAMIDE-RESPONSIVE; CEREBELLOPATHY, HEREDITARY PAROXYSMAL; EPISODIC ATAXIA, NYSTAGMUS-ASSOCIATED. Identifiers: Orphanet 97, MedGen C1720416, MONDO:0007163, OMIM 108500.
Developmental and epileptic encephalopathy, 42 (DEE42A). Also called: DEVELOPMENTAL AND EPILEPTIC ENCEPHALOPATHY 42A; EPILEPTIC ENCEPHALOPATHY, EARLY INFANTILE, 42A; Epileptic encephalopathy, early infantile, 42. Identifiers: MedGen C4310716, MONDO:0014917, OMIM 617106.
Inborn genetic diseases. Identifiers: MedGen C0950123, MeSH D030342.

Allele frequency attached by ClinVar (database versions not stated): TOPMed 0.00001; ExAC 0.00003.
gnomAD v4.1: 26 of 1,574,144 alleles (0.0017%); highest among the groups gnomAD compares: South Asian, 0.023%; 2 homozygotes.

Submissions (3):

Labcorp Genetics (formerly Invitae), Labcorp
Classification: Likely benign for Developmental and epileptic encephalopathy, 42; Episodic ataxia type 2. Last evaluated: 2025-09-27. Review status: criteria provided, single submitter. Criteria: Invitae Variant Classification Sherloc (09022015). Collection method: clinical testing. Allele origin: germline.

Ambry Genetics
Classification: Uncertain significance for Inborn genetic diseases. Last evaluated: 2025-06-22. Review status: criteria provided, single submitter. Criteria: Ambry Variant Classification Scheme 2023. Collection method: clinical testing. Allele origin: germline.

GeneDx
Classification: Uncertain significance. Last evaluated: 2022-04-01. Review status: criteria provided, single submitter. Criteria: GeneDx Variant Classification Process June 2021. Collection method: clinical testing. Allele origin: germline. Affected: yes.
Comment: In silico analysis supports that this missense variant has a deleterious effect on protein structure/function; Has not been previously published as pathogenic or benign to our knowledge